The following is an entry in ClinVar:

ClinVar aggregate classification (germline): Conflicting classifications of pathogenicity. Review status: criteria provided, conflicting classifications (1 of 4 stars). 6 submissions from 6 submitters: Uncertain significance (4); Likely benign (1). 1 of the submissions does not count toward it. Last evaluated 2025-12-15.

Conditions:
Hereditary cancer-predisposing syndrome. Also called: Tumor predisposition; Neoplastic Syndromes, Hereditary; Hereditary neoplastic syndrome; Hereditary Cancer Syndrome. Identifiers: Orphanet 140162, MedGen C0027672, MeSH D009386, MONDO:0015356.
Hereditary breast ovarian cancer syndrome. Also called: Hereditary breast and ovarian cancer; Hereditary breast and ovarian cancer syndrome (HBOC); Breast and ovarian cancer; Hereditary breast and ovarian cancer syndrome; BRCA1- and BRCA2-Associated Hereditary Breast and Ovarian Cancer; Hereditary breast and/or ovarian cancer syndrome. Identifiers: Orphanet 145, MedGen C0677776, MeSH D061325, MONDO:0003582. Disease mechanism: loss of function.
Familial cancer of breast. Also called: hereditary breast carcinoma; BREAST CANCER, FAMILIAL; Hereditary breast cancer. Identifiers: Orphanet 227535, MedGen C0346153, MONDO:0016419, OMIM 114480. Disease mechanism: loss of function.

Submissions (6):

Labcorp Genetics (formerly Invitae), Labcorp
Classification: Uncertain significance for Hereditary breast ovarian cancer syndrome. Last evaluated: 2025-12-15. Review status: criteria provided, single submitter. Criteria: Invitae Variant Classification Sherloc (09022015). Collection method: clinical testing. Allele origin: germline.
Comment: This sequence change replaces asparagine, which is neutral and polar, with histidine, which is basic and polar, at codon 460 of the BRCA2 protein (p.Asn460His). This variant is not present in population databases (gnomAD no frequency). This missense change has been observed in individual(s) with breast and/or ovarian cancer (PMID: 35918668). ClinVar contains an entry for this variant (Variation ID: 632703). Invitae Evidence Modeling of protein sequence and biophysical properties (such as structural, functional, and spatial information, amino acid conservation, physicochemical variation, residue mobility, and thermodynamic stability) indicates that this missense variant is not expected to disrupt BRCA2 protein function with a negative predictive value of 95%. In summary, the available evidence is currently insufficient to determine the role of this variant in disease. Therefore, it has been classified as a Variant of Uncertain Significance.

Ambry Genetics
Classification: Uncertain significance for Hereditary cancer-predisposing syndrome. Last evaluated: 2025-10-30. Review status: criteria provided, single submitter. Criteria: Ambry Variant Classification Scheme 2023. Collection method: clinical testing. Allele origin: germline.
Comment: The p.N460H variant (also known as c.1378A>C), located in coding exon 9 of the BRCA2 gene, results from an A to C substitution at nucleotide position 1378. The asparagine at codon 460 is replaced by histidine, an amino acid with similar properties. This amino acid position is not well conserved in available vertebrate species. In addition, this alteration is predicted to be tolerated by in silico analysis. Since supporting evidence is limited at this time, the clinical significance of this alteration remains unclear.

University of Washington Department of Laboratory Medicine, University of Washington
Classification: Likely benign for Hereditary cancer-predisposing syndrome. Last evaluated: 2023-03-23. Review status: criteria provided, single submitter. Criteria: Dines et al. (Genet Med. 2020). Collection method: curation. Allele origin: germline.
Comment: Missense variant in a coldspot region where missense variants are very unlikely to be pathogenic (PMID:31911673).

BRCA2 exon 10 coldspot. Reclassification based on statistical prior probability.

Color Diagnostics, LLC DBA Color Health
Classification: Uncertain significance for Hereditary cancer-predisposing syndrome. Last evaluated: 2019-05-11. Review status: criteria provided, single submitter. Criteria: ACMG Guidelines, 2015. Collection method: clinical testing. Allele origin: germline.

Women's Health and Genetics/Laboratory Corporation of America, LabCorp
Classification: Uncertain significance. Last evaluated: 2018-03-30. Review status: criteria provided, single submitter. Criteria: LabCorp Variant Classification Summary - May 2015. Collection method: clinical testing. Allele origin: germline.
Comment: Variant summary: BRCA2 c.1378A>C (p.Asn460His) results in a conservative amino acid change located outside of any known domain or repeat of the encoded protein sequence. Three of five in-silico tools predict a benign effect of the variant on protein function. The variant was absent in 243362 control chromosomes (gnomAD). The available data on variant occurrences in the general population are insufficient to allow any conclusion about variant significance. To our knowledge, no occurrence of c.1378A>C in individuals affected with Hereditary Breast and Ovarian Cancer and no experimental evidence demonstrating its impact on protein function have been reported. No clinical diagnostic laboratories have submitted clinical-significance assessments for this variant to ClinVar after 2014. Based on the evidence outlined above, the variant was classified as uncertain significance.

Center for Precision Medicine, Meizhou People's Hospital
Classification: Uncertain significance for Familial cancer of breast. Review status: no assertion criteria provided. Collection method: curation. Allele origin: germline. Affected: yes. Not counted in ClinVar's aggregate classification.

Literature cited by the submitters: PubMed 35918668 (cited by Labcorp Genetics (formerly Invitae), Labcorp).

NM_000059.4(BRCA2):c.1378A>C (p.Asn460His)

Gene: BRCA2 (BRCA2 DNA repair associated; plus strand). Cytogenetic location: 13q13.1.
Variant type: single nucleotide variant.
Coding change: c.1378A>C on transcript NM_000059.4 (MANE Select); coding-DNA position 1378, A replaced by C.
Protein change: p.Asn460His; replaces asparagine 460 with histidine.
Molecular consequence: missense variant.
Genome position (GRCh38, 1-based): chr13:32,332,856, A>C. VCF-style: chr13-32332856-A-C. GRCh37 (hg19) VCF-style: chr13-32906993-A-C.
Other names: short protein forms N460H.
Identifiers: ClinVar variation 632703 (VCV000632703.21), dbSNP rs1270441968, ClinGen allele CA387762963.